The following is an entry in ClinVar:

NC_000017.11:g.(?_61744422)_(61744601_?)del

Gene: BRIP1 (BRCA1 interacting DNA helicase 1; minus strand). Cytogenetic location: 17q23.2.
Variant type: Deletion.
Identifiers: ClinVar variation 831262 (VCV000831262.4).

ClinVar aggregate classification (germline): Pathogenic (1 of 4 stars; one submission).

Conditions:
Fanconi anemia complementation group J. Also called: BRIP1-Related Fanconi Anemia. Identifiers: Orphanet 84, MedGen C1836860, MONDO:0012187, OMIM 609054.
Familial cancer of breast. Also called: hereditary breast carcinoma; BREAST CANCER, FAMILIAL; Hereditary breast cancer. Identifiers: Orphanet 227535, MedGen C0346153, MONDO:0016419, OMIM 114480. Disease mechanism: loss of function.

Submission:

Labcorp Genetics (formerly Invitae), Labcorp
Classification: Pathogenic for Familial cancer of breast; Fanconi anemia complementation group J. Last evaluated: 2023-10-04. Review status: criteria provided, single submitter. Criteria: Invitae Variant Classification Sherloc (09022015). Collection method: clinical testing. Allele origin: germline.
Comment: This variant is a gross deletion of the genomic region encompassing exon(s) 15 of the BRIP1 gene. This deletion is out-of-frame, and is expected to create a premature termination codon and result in an absent or disrupted protein product. Loss-of-function variants in BRIP1 are known to be pathogenic (PMID: 16116423, 17033622, 21964575). A similar copy number variant has been observed in individual(s) with ovarian cancer (PMID: 26720728). For these reasons, this variant has been classified as Pathogenic.

Literature cited by the submitters: PubMed 16116423; PubMed 17033622; PubMed 21964575; PubMed 26720728.